The following is an entry in ClinVar:

NM_000465.4(BARD1):c.1376A>G (p.His459Arg)

Gene: BARD1 (BRCA1 associated RING domain 1; minus strand). Cytogenetic location: 2q35.
Variant type: single nucleotide variant.
Coding change: c.1376A>G on transcript NM_000465.4 (MANE Select); coding-DNA position 1376, A replaced by G.
Protein change: p.His459Arg; replaces histidine 459 with arginine.
Molecular consequence: missense variant. On other transcripts: non-coding transcript variant (3), intron variant (3).
Genome position (GRCh38, 1-based): chr2:214,769,251, T>C on the plus strand (A>G on the coding strand, the complement: BARD1 is on the minus strand). VCF-style: chr2-214769251-T-C. GRCh37 (hg19) VCF-style: chr2-215633975-T-C.
Other names: c.1319A>G, p.His440Arg (NM_001282543.2); c.159-16696A>G (NM_001282548.2); c.216-16696A>G (NM_001282545.2); c.364+23046A>G (NM_001282549.2); short protein forms H459R, H440R.
Identifiers: ClinVar variation 141270 (VCV000141270.23), dbSNP rs587781621, ClinGen allele CA333202.

ClinVar aggregate classification (germline): Uncertain significance. Review status: criteria provided, multiple submitters, no conflicts (2 of 4 stars). 6 submissions from 6 submitters: Uncertain significance (6). Last evaluated 2025-09-10.

Conditions:
Hereditary cancer-predisposing syndrome. Also called: Neoplastic Syndromes, Hereditary; Tumor predisposition; Hereditary Cancer Syndrome; Hereditary neoplastic syndrome. Identifiers: Orphanet 140162, MedGen C0027672, MeSH D009386, MONDO:0015356.
Familial cancer of breast. Also called: BREAST CANCER, FAMILIAL; Hereditary breast cancer; hereditary breast carcinoma. Identifiers: Orphanet 227535, MedGen C0346153, MONDO:0016419, OMIM 114480. Disease mechanism: loss of function.

Allele frequency attached by ClinVar (database versions not stated): gnomAD exomes below 0.00001.
gnomAD v4.1: 2 of 1,613,334 alleles (0.00012%); highest among the groups gnomAD compares: Non-Finnish European, 0.00017%; no homozygotes.

Submissions (6):

Ambry Genetics
Classification: Uncertain significance for Hereditary cancer-predisposing syndrome. Last evaluated: 2025-09-10. Review status: criteria provided, single submitter. Criteria: Ambry Variant Classification Scheme 2023. Collection method: clinical testing. Allele origin: germline.

Labcorp Genetics (formerly Invitae), Labcorp
Classification: Uncertain significance for Familial cancer of breast. Last evaluated: 2025-08-07. Review status: criteria provided, single submitter. Criteria: Invitae Variant Classification Sherloc (09022015). Collection method: clinical testing. Allele origin: germline.
Comment: This sequence change replaces histidine, which is basic and polar, with arginine, which is basic and polar, at codon 459 of the BARD1 protein (p.His459Arg). This variant is present in population databases (rs587781621, gnomAD 0.0009%). This missense change has been observed in individual(s) with breast cancer (PMID: 35264596). ClinVar contains an entry for this variant (Variation ID: 141270). An algorithm developed to predict the effect of missense changes on protein structure and function (PolyPhen-2) suggests that this variant is likely to be disruptive. In summary, the available evidence is currently insufficient to determine the role of this variant in disease. Therefore, it has been classified as a Variant of Uncertain Significance.

Quest Diagnostics Nichols Institute San Juan Capistrano
Classification: Uncertain significance. Last evaluated: 2025-03-14. Review status: criteria provided, single submitter. Criteria: Quest Diagnostics criteria. Collection method: clinical testing. Allele origin: unknown.
Comment: The BARD1 c.1376A>G (p.His459Arg) variant has been reported in the published literature in an individual with breast cancer (PMID: 35264596 (2022)). The frequency of this variant in the general population (Genome Aggregation Database) is uninformative in the assessment of its pathogenicity. Analysis of this variant using bioinformatics tools for the prediction of the effect of amino acid changes on protein structure and function yielded predictions that this variant is benign. Based on the available information, we are unable to determine the clinical significance of this variant.

GeneDx
Classification: Uncertain significance. Last evaluated: 2022-12-08. Review status: criteria provided, single submitter. Criteria: GeneDx Variant Classification Process June 2021. Collection method: clinical testing. Allele origin: germline. Affected: yes.
Comment: Not observed at significant frequency in large population cohorts (gnomAD); In silico analysis supports that this missense variant has a deleterious effect on protein structure/function; Has not been previously published as pathogenic or benign to our knowledge; This variant is associated with the following publications: (PMID: 18480049)

Color Diagnostics, LLC DBA Color Health
Classification: Uncertain significance for Hereditary cancer-predisposing syndrome. Last evaluated: 2019-02-24. Review status: criteria provided, single submitter. Criteria: ACMG Guidelines, 2015. Collection method: clinical testing. Allele origin: germline.

Mendelics
Classification: Uncertain significance for Familial cancer of breast. Last evaluated: 2018-07-02. Review status: criteria provided, single submitter. Criteria: Mendelics Assertion Criteria 2017. Collection method: clinical testing. Allele origin: unknown.

Literature cited by the submitters: PubMed 35264596 (cited by Labcorp Genetics (formerly Invitae), Labcorp and Quest Diagnostics Nichols Institute San Juan Capistrano); PubMed 36922933 (cited by Quest Diagnostics Nichols Institute San Juan Capistrano); PubMed 32620917 (cited by Quest Diagnostics Nichols Institute San Juan Capistrano).